The following is an entry in ClinVar:

NM_000807.4(GABRA2):c.438del (p.Arg147fs)

Gene: GABRA2 (gamma-aminobutyric acid type A receptor subunit alpha2; minus strand). Cytogenetic location: 4p12.
Variant type: Deletion.
Coding change: c.438del on transcript NM_000807.4 (MANE Select); coding-DNA position 438, one base deleted (T; older notation c.438delT).
Protein change: p.Arg147fs; shifts the reading frame from arginine 147.
Molecular consequence: frameshift variant.
Genome position (GRCh38, 1-based): chr4:46,312,534, A deleted on the plus strand (T on the coding strand, the reverse complement: GABRA2 is on the minus strand); the first of 2 consecutive A bases (chr4:46,312,534-46,312,535); deleting either gives the same sequence. VCF-style (leftmost placement, unchanged base first): chr4-46312533-GA-G. GRCh37 (hg19) VCF-style: chr4-46314550-GA-G.
Other names: c.438del, p.Arg147fs (NM_001114175.3, NM_001330690.2, NM_001377144.1 and 8 more transcripts); c.273del, p.Arg92fs (NM_001286827.3, NM_001377152.1, NM_001377153.1 and 1 more transcripts); short protein forms R147fs, R92fs.
Identifiers: ClinVar variation 976220 (VCV000976220.6), dbSNP rs1727826275, ClinGen allele CA1139658472.

ClinVar aggregate classification (germline): Uncertain significance. Review status: criteria provided, multiple submitters, no conflicts (2 of 4 stars). 2 submissions from 2 submitters: Uncertain significance (2). Last evaluated 2023-08-04.

Conditions:
Developmental and epileptic encephalopathy, 78. Also called: EPILEPTIC ENCEPHALOPATHY, EARLY INFANTILE, 78. Identifiers: MedGen C5231409, MONDO:0032812, OMIM 618557.

Submissions (2):

Labcorp Genetics (formerly Invitae), Labcorp
Classification: Uncertain significance. Last evaluated: 2023-08-04. Review status: criteria provided, single submitter. Criteria: Invitae Variant Classification Sherloc (09022015). Collection method: clinical testing. Allele origin: germline.
Comment: In summary, the available evidence is currently insufficient to determine the role of this variant in disease. Therefore, it has been classified as a Variant of Uncertain Significance. ClinVar contains an entry for this variant (Variation ID: 976220). This variant has not been reported in the literature in individuals affected with GABRA2-related conditions. This variant is not present in population databases (gnomAD no frequency). This sequence change creates a premature translational stop signal (p.Arg147Glufs*12) in the GABRA2 gene. It is expected to result in an absent or disrupted protein product. However, the current clinical and genetic evidence is not sufficient to establish whether loss-of-function variants in GABRA2 cause disease.

Institute of Human Genetics, University of Leipzig Medical Center
Classification: Uncertain significance for Developmental and epileptic encephalopathy, 78. Last evaluated: 2019-12-06. Review status: criteria provided, single submitter. Criteria: ACMG Guidelines, 2015. Collection method: clinical testing. Allele origin: de novo. Affected: yes. Observed: 2 variant alleles.
Comment: This variant was identified as de novo (maternity and paternity confirmed).